The following is an entry in ClinVar:

NM_001378454.1(ALMS1):c.7250G>T (p.Ser2417Ile)

Gene: ALMS1 (ALMS1 centrosome and basal body associated protein; plus strand). Cytogenetic location: 2p13.1.
Variant type: single nucleotide variant.
Coding change: c.7250G>T on transcript NM_001378454.1 (MANE Select); coding-DNA position 7250, G replaced by T.
Protein change: p.Ser2417Ile; replaces serine 2417 with isoleucine.
Molecular consequence: missense variant.
Genome position (GRCh38, 1-based): chr2:73,453,777, G>T. VCF-style: chr2-73453777-G-T. GRCh37 (hg19) VCF-style: chr2-73680904-G-T.
Other names: c.7253G>T, p.Ser2418Ile (NM_015120.4); short protein forms S2418I, S2417I.
Identifiers: ClinVar variation 2051841 (VCV002051841.1), dbSNP rs780529444, ClinGen allele CA1714199.
Genomic context (GRCh38, chr2:73,453,777, plus strand): 5'-GAACCATTGGGAATAAAATTATTATCCCTATGATGACTGTCATAAAAAGTGATTCAAGTA[G>T]TGATGCCAGTGATGGAAATGGTTCCTGCTCGTGGGACAGTAATTTACCAGAGTCTTTGGA-3'
Protein context (NP_001365383.1, residues 2407-2427): MMTVIKSDSS[Ser2417Ile]DASDGNGSCS

ClinVar aggregate classification (germline): Uncertain significance (1 of 4 stars; one submission).

Conditions:
Alstrom syndrome (ALMS). Identifiers: Orphanet 64, MedGen C0268425, MONDO:0008763, OMIM 203800.

Allele frequency attached by ClinVar (database versions not stated): ExAC 0.00001; TOPMed 0.00002.
gnomAD v4.1: 17 of 1,614,136 alleles (0.0011%); highest among the groups gnomAD compares: South Asian, 0.015%; no homozygotes.

Submission:

Labcorp Genetics (formerly Invitae), Labcorp
Classification: Uncertain significance for Alstrom syndrome. Last evaluated: 2022-04-28. Review status: criteria provided, single submitter. Criteria: Invitae Variant Classification Sherloc (09022015). Collection method: clinical testing. Allele origin: germline.
Comment: This sequence change replaces serine, which is neutral and polar, with isoleucine, which is neutral and non-polar, at codon 2418 of the ALMS1 protein (p.Ser2418Ile). This variant is present in population databases (rs780529444, gnomAD 0.009%). This variant has not been reported in the literature in individuals affected with ALMS1-related conditions. Experimental studies and prediction algorithms are not available or were not evaluated, and the functional significance of this variant is currently unknown. In summary, the available evidence is currently insufficient to determine the role of this variant in disease. Therefore, it has been classified as a Variant of Uncertain Significance.